The following is an entry in ClinVar:

NM_005422.4(TECTA):c.6002G>A (p.Cys2001Tyr)

Genes: TBCEL-TECTA (TBCEL-TECTA readthrough; plus strand), TECTA (tectorin alpha; plus strand). Cytogenetic location: 11q23.3.
Variant type: single nucleotide variant.
Coding change: c.6002G>A on transcript NM_005422.4 (MANE Select); coding-DNA position 6002, G replaced by A.
Protein change: p.Cys2001Tyr; replaces cysteine 2001 with tyrosine.
Molecular consequence: missense variant.
Genome position (GRCh38, 1-based): chr11:121,187,834, G>A. VCF-style: chr11-121187834-G-A. GRCh37 (hg19) VCF-style: chr11-121058543-G-A.
Other names: c.6944G>A, p.Cys2315Tyr (NM_001378761.1); short protein forms C2315Y, C2001Y.
Identifiers: ClinVar variation 2813404 (VCV002813404.3), dbSNP rs2497021354, ClinGen allele CA383009523.

ClinVar aggregate classification (germline): Uncertain significance (1 of 4 stars; one submission).

Submission:

Labcorp Genetics (formerly Invitae), Labcorp
Classification: Uncertain significance. Last evaluated: 2025-07-19. Review status: criteria provided, single submitter. Criteria: Invitae Variant Classification Sherloc (09022015). Collection method: clinical testing. Allele origin: germline.
Comment: This sequence change replaces cysteine, which is neutral and slightly polar, with tyrosine, which is neutral and polar, at codon 2001 of the TECTA protein (p.Cys2001Tyr). This variant is not present in population databases (gnomAD no frequency). This variant has not been reported in the literature in individuals affected with TECTA-related conditions. ClinVar contains an entry for this variant (Variation ID: 2813404). An algorithm developed to predict the effect of missense changes on protein structure and function (PolyPhen-2) suggests that this variant is likely to be disruptive. In summary, the available evidence is currently insufficient to determine the role of this variant in disease. Therefore, it has been classified as a Variant of Uncertain Significance.